The following is an entry in ClinVar:

ClinVar aggregate classification (germline): Uncertain significance (1 of 4 stars; one submission).

Submission:

GeneDx
Classification: Uncertain significance. Last evaluated: 2020-09-28. Review status: criteria provided, single submitter. Criteria: GeneDx Variant Classification Process June 2021. Collection method: clinical testing. Allele origin: germline. Affected: yes.
Comment: Not observed in large population cohorts (Lek 2016); In silico analysis supports a deleterious effect on splicing; Also known as IVS32C>G

NM_001042492.3(NF1):c.6148-3C>G

Gene: NF1 (neurofibromin 1; plus strand). Cytogenetic location: 17q11.2.
Variant type: single nucleotide variant.
Coding change: c.6148-3C>G on transcript NM_001042492.3 (MANE Select); 3 bases into the intron before coding-DNA position 6148, C replaced by G.
Molecular consequence: intron variant.
Genome position (GRCh38, 1-based): chr17:31,336,632, C>G. VCF-style: chr17-31336632-C-G. GRCh37 (hg19) VCF-style: chr17-29663650-C-G.
Other names: c.6085-3C>G (NM_000267.4).
Identifiers: ClinVar variation 1317350 (VCV001317350.2), dbSNP rs1597842697, ClinGen allele CA2573054396.